The following is an entry in ClinVar:

NM_012330.4(KAT6B):c.5392A>G (p.Met1798Val)

Gene: KAT6B (lysine acetyltransferase 6B; plus strand). Cytogenetic location: 10q22.2.
Variant type: single nucleotide variant.
Coding change: c.5392A>G on transcript NM_012330.4 (MANE Select); coding-DNA position 5392, A replaced by G.
Protein change: p.Met1798Val; replaces methionine 1798 with valine.
Molecular consequence: missense variant.
Genome position (GRCh38, 1-based): chr10:75,030,216, A>G. VCF-style: chr10-75030216-A-G. GRCh37 (hg19) VCF-style: chr10-76789974-A-G.
Other names: c.4843A>G, p.Met1615Val (NM_001256468.2, NM_001370138.1); c.4516A>G, p.Met1506Val (NM_001370140.1, NM_001370141.1, NM_001370142.1 and 2 more transcripts); c.4327A>G, p.Met1443Val (NM_001370143.1, NM_001370144.1); c.4354A>G, p.Met1452Val (NM_001370132.1); c.3703A>G, p.Met1235Val (NM_001370133.1); c.3307A>G, p.Met1103Val (NM_001370134.1); c.3049A>G, p.Met1017Val (NM_001370135.1); c.5392A>G, p.Met1798Val (NM_001370136.1, NM_001370137.1); short protein forms M1103V, M1443V, M1017V, M1506V, M1615V, M1798V, M1235V, M1452V.
Identifiers: ClinVar variation 4727243 (VCV004727243.1).
Genomic context (GRCh38, chr10:75,030,216, plus strand): 5'-CCCATGCAGCTGGCTGAAATCCCCGAGACGAGCAACGCCAACATTGGCTTATACGAGCGA[A>G]TGGGTCAGAGTGATTTTGGGGCTGGGCATTACCCGCAGCCGTCAGCCACCTTCAGCCTTG-3'
Protein context (NP_036462.2, residues 1788-1808): SNANIGLYER[Met1798Val]GQSDFGAGHY

ClinVar aggregate classification (germline): Uncertain significance (1 of 4 stars; one submission).

Conditions:
Genitopatellar syndrome (GTPTS). Also called: ABSENT PATELLAE, SCROTAL HYPOPLASIA, RENAL ANOMALIES, FACIAL DYSMORPHISM, AND MENTAL RETARDATION; Genitopatellar syndrome (GPS). Identifiers: Orphanet 85201, MedGen C1853566, MONDO:0011640, OMIM 606170.

Submission:

Labcorp Genetics (formerly Invitae), Labcorp
Classification: Uncertain significance for Genitopatellar syndrome. Last evaluated: 2025-09-15. Review status: criteria provided, single submitter. Criteria: Invitae Variant Classification Sherloc (09022015). Collection method: clinical testing. Allele origin: germline.
Comment: This sequence change replaces methionine, which is neutral and non-polar, with valine, which is neutral and non-polar, at codon 1798 of the KAT6B protein (p.Met1798Val). This variant is not present in population databases (gnomAD no frequency). This variant has not been reported in the literature in individuals affected with KAT6B-related conditions. An algorithm developed to predict the effect of missense changes on protein structure and function (PolyPhen-2) suggests that this variant is likely to be disruptive. In summary, the available evidence is currently insufficient to determine the role of this variant in disease. Therefore, it has been classified as a Variant of Uncertain Significance.